The following is an entry in ClinVar:

ClinVar aggregate classification (germline): Likely benign. Review status: criteria provided, multiple submitters, no conflicts (2 of 4 stars). 2 submissions from 2 submitters: Likely benign (2). Last evaluated 2024-07-11.

Conditions:
ALG12-congenital disorder of glycosylation (CDG1G). Also called: CDG Ig; ALG12-CDG; Congenital disorder of glycosylation, type Ig. Identifiers: Orphanet 79324, MedGen C2931001, MONDO:0011783, OMIM 607143.

Allele frequency attached by ClinVar (database versions not stated): ExAC 0.00001; gnomAD 0.00002.
gnomAD v4.1: 14 of 1,614,180 alleles (0.00087%); highest among the groups gnomAD compares: South Asian, 0.0033%; no homozygotes.

Submissions (2):

Labcorp Genetics (formerly Invitae), Labcorp
Classification: Likely benign for ALG12-congenital disorder of glycosylation. Last evaluated: 2024-07-11. Review status: criteria provided, single submitter. Criteria: Invitae Variant Classification Sherloc (09022015). Collection method: clinical testing. Allele origin: germline.

CeGaT Center for Human Genetics Tuebingen
Classification: Likely benign. Last evaluated: 2023-03-01. Review status: criteria provided, single submitter. Criteria: CeGaT Center For Human Genetics Tuebingen Variant Classification Criteria Version 2. Collection method: clinical testing. Allele origin: germline. Affected: yes. Observed: 1 variant allele.
Comment: ALG12: BP4, BP7

NM_024105.4(ALG12):c.1335G>A (p.Arg445=)

Gene: ALG12 (ALG12 alpha-1,6-mannosyltransferase; minus strand). Cytogenetic location: 22q13.33.
Variant type: single nucleotide variant.
Coding change: c.1335G>A on transcript NM_024105.4 (MANE Select); coding-DNA position 1335, G replaced by A.
Protein change: p.Arg445=; no amino-acid change (arginine 445 retained).
Molecular consequence: synonymous variant.
Genome position (GRCh38, 1-based): chr22:49,903,970, C>T on the plus strand (G>A on the coding strand, the complement: ALG12 is on the minus strand). VCF-style: chr22-49903970-C-T. GRCh37 (hg19) VCF-style: chr22-50297618-C-T.
Identifiers: ClinVar variation 2653351 (VCV002653351.26), dbSNP rs763935444, ClinGen allele CA10300241.